The following is an entry in ClinVar:

ClinVar aggregate classification (germline): Pathogenic (1 of 4 stars; one submission).

Conditions:
Familial hypocalciuric hypercalcemia (FHH). Also called: Familial benign hypercalcemia. Identifiers: Orphanet 405, MedGen C1809471, MONDO:0018458.
Autosomal dominant hypocalcemia 1 (HYPOC1). Also called: HYPOCALCEMIA, FAMILIAL. Identifiers: MedGen C3715128, MONDO:0011013, OMIM 601198.

Submission:

Labcorp Genetics (formerly Invitae), Labcorp
Classification: Pathogenic for Familial hypocalciuric hypercalcemia; Autosomal dominant hypocalcemia 1. Last evaluated: 2025-10-26. Review status: criteria provided, single submitter. Criteria: Invitae Variant Classification Sherloc (09022015). Collection method: clinical testing. Allele origin: germline.
Comment: This sequence change creates a premature translational stop signal (p.Tyr20*) in the CASR gene. It is expected to result in an absent or disrupted protein product. Loss-of-function variants in CASR are known to be pathogenic (PMID: 11807402, 14985373, 22422767). This variant is not present in population databases (gnomAD no frequency). This variant has not been reported in the literature in individuals affected with CASR-related conditions. Algorithms developed to predict the effect of sequence changes on RNA splicing suggest that this variant may create or strengthen a splice site. For these reasons, this variant has been classified as Pathogenic.

Literature cited by the submitters: PubMed 11807402; PubMed 14985373; PubMed 22422767.

NM_000388.4(CASR):c.60C>G (p.Tyr20Ter)

Gene: CASR (calcium sensing receptor; plus strand). Cytogenetic location: 3q21.1.
Variant type: single nucleotide variant.
Coding change: c.60C>G on transcript NM_000388.4 (MANE Select); coding-DNA position 60, C replaced by G.
Protein change: p.Tyr20Ter; replaces tyrosine 20 with a stop codon.
Molecular consequence: nonsense.
Genome position (GRCh38, 1-based): chr3:122,254,249, C>G. VCF-style: chr3-122254249-C-G. GRCh37 (hg19) VCF-style: chr3-121973096-C-G.
Other names: c.60C>G, p.Tyr20Ter (NM_001178065.2); short protein forms Y20*.
Identifiers: ClinVar variation 4786533 (VCV004786533.1).